The following is an entry in ClinVar:

ClinVar aggregate classification (germline): Uncertain significance. Review status: criteria provided, multiple submitters, no conflicts (2 of 4 stars). 2 submissions from 2 submitters: Uncertain significance (2). Last evaluated 2026-01-23.

Allele frequency attached by ClinVar (database versions not stated): ExAC 0.00001; gnomAD 0.00001; gnomAD exomes 0.00001 and 0.00003; TOPMed 0.00003.
gnomAD v4.1: 27 of 1,197,252 alleles (0.0023%); highest among the groups gnomAD compares: Middle Eastern, 0.083%; no homozygotes.

Submissions (2):

Women's Health and Genetics/Laboratory Corporation of America, LabCorp
Classification: Uncertain significance. Last evaluated: 2026-01-23. Review status: criteria provided, single submitter. Criteria: LabCorp Variant Classification Summary - May 2015. Collection method: clinical testing. Allele origin: germline.

Labcorp Genetics (formerly Invitae), Labcorp
Classification: Uncertain significance. Last evaluated: 2025-12-01. Review status: criteria provided, single submitter. Criteria: Invitae Variant Classification Sherloc (09022015). Collection method: clinical testing. Allele origin: germline.
Comment: This sequence change falls in intron 4 of the SH3KBP1 gene. It does not directly change the encoded amino acid sequence of the SH3KBP1 protein. It affects a nucleotide within the consensus splice site. The frequency data for this variant in the population databases is considered unreliable, as metrics indicate poor data quality at this position in the gnomAD database. This variant has not been reported in the literature in individuals affected with SH3KBP1-related conditions. ClinVar contains an entry for this variant (Variation ID: 1400692). Variants that disrupt the consensus splice site are a relatively common cause of aberrant splicing (PMID: 17576681, 9536098). Algorithms developed to predict the effect of sequence changes on RNA splicing suggest that this variant is not likely to affect RNA splicing. In summary, the available evidence is currently insufficient to determine the role of this variant in disease. Therefore, it has been classified as a Variant of Uncertain Significance.

Literature cited by the submitters: PubMed 17576681 (cited by Labcorp Genetics (formerly Invitae), Labcorp); PubMed 9536098 (cited by Labcorp Genetics (formerly Invitae), Labcorp).

NM_031892.3(SH3KBP1):c.390+6C>T

Gene: SH3KBP1 (SH3 domain containing kinase binding protein 1; minus strand). Cytogenetic location: Xp22.12.
Variant type: single nucleotide variant.
Coding change: c.390+6C>T on transcript NM_031892.3 (MANE Select); 6 bases into the intron after coding-DNA position 390, C replaced by T.
Molecular consequence: intron variant.
Genome position (GRCh38, 1-based): chrX:19,706,875, G>A on the plus strand (C>T on the coding strand, the complement: SH3KBP1 is on the minus strand). VCF-style: chrX-19706875-G-A. GRCh37 (hg19) VCF-style: chrX-19724993-G-A.
Other names: c.390+6C>T (NM_001353890.2, NM_001353892.2, NM_001353891.2); c.213+6C>T (NM_001353894.2, NM_001353893.2, NM_001353895.2); c.279+6C>T (NM_001024666.3).
Identifiers: ClinVar variation 1400692 (VCV001400692.6), dbSNP rs757887994, ClinGen allele CA10364890.